The following is an entry in ClinVar:

NM_015261.3(NCAPD3):c.4351G>A (p.Gly1451Arg)

Gene: NCAPD3 (non-SMC condensin II complex subunit D3; minus strand). Cytogenetic location: 11q25.
Variant type: single nucleotide variant.
Coding change: c.4351G>A on transcript NM_015261.3 (MANE Select); coding-DNA position 4351, G replaced by A.
Protein change: p.Gly1451Arg; replaces glycine 1451 with arginine.
Molecular consequence: missense variant. On other transcripts: intron variant (1).
Genome position (GRCh38, 1-based): chr11:134,153,177, C>T on the plus strand (G>A on the coding strand, the complement: NCAPD3 is on the minus strand). VCF-style: chr11-134153177-C-T. GRCh37 (hg19) VCF-style: chr11-134023072-C-T.
Other names: c.4351G>A, p.Gly1451Arg (NM_001372068.1); c.3937G>A, p.Gly1313Arg (NM_001372069.1, NM_001372070.1); c.4327+112G>A (NM_001372065.1); c.4351G>A (NM_015261.2); short protein forms G1313R, G1451R.
Identifiers: ClinVar variation 2691393 (VCV002691393.2), dbSNP rs747474828, ClinGen allele CA6370417.

ClinVar aggregate classification (germline): Uncertain significance. Review status: criteria provided, multiple submitters, no conflicts (2 of 4 stars). 2 submissions from 2 submitters: Uncertain significance (2). Last evaluated 2025-09-24.

Allele frequency attached by ClinVar (database versions not stated): TOPMed 0.00002; gnomAD 0.00001; ExAC 0.00002.
gnomAD v4.1: 16 of 1,614,080 alleles (0.00099%); highest among the groups gnomAD compares: Admixed American, 0.027%; no homozygotes.

Submissions (2):

Ambry Genetics
Classification: Uncertain significance. Last evaluated: 2025-09-24. Review status: criteria provided, single submitter. Criteria: Ambry Variant Classification Scheme 2023. Collection method: clinical testing. Allele origin: germline.

Women's Health and Genetics/Laboratory Corporation of America, LabCorp
Classification: Uncertain significance. Last evaluated: 2023-12-22. Review status: criteria provided, single submitter. Criteria: LabCorp Variant Classification Summary - May 2015. Collection method: clinical testing. Allele origin: germline.
Comment: Variant summary: NCAPD3 c.4351G>A (p.Gly1451Arg) results in a non-conservative amino acid change in the encoded protein sequence. Four of five in-silico tools predict a benign effect of the variant on protein function. The variant allele was found at a frequency of 5.2e-05 in 251486 control chromosomes. This frequency is not significantly higher than estimated for a pathogenic variant in NCAPD3 causing Microcephaly 22, Primary, Autosomal Recessive (5.2e-05 vs ND), allowing no conclusion about variant significance. To our knowledge, no occurrence of c.4351G>A in individuals affected with Microcephaly 22, Primary, Autosomal Recessive and no experimental evidence demonstrating its impact on protein function have been reported. No submitters have cited clinical-significance assessments for this variant to ClinVar after 2014. Based on the evidence outlined above, the variant was classified as uncertain significance.